The following is an entry in ClinVar:

ClinVar aggregate classification (germline): Uncertain significance. Review status: criteria provided, multiple submitters, no conflicts (2 of 4 stars). 3 submissions from 3 submitters: Uncertain significance (3). Last evaluated 2024-10-29.

Conditions:
Complement component 7 deficiency (C7D). Also called: C7 DEFICIENCY. Identifiers: MedGen C1864694, MONDO:0012412, OMIM 610102.

Allele frequency attached by ClinVar (database versions not stated): gnomAD exomes 0.00012 and 0.00024; TOPMed 0.00012; gnomAD 0.00016; ESP Exome Variant Server 0.00017; ExAC 0.00065.

Submissions (3):

Labcorp Genetics (formerly Invitae), Labcorp
Classification: Uncertain significance. Last evaluated: 2024-10-29. Review status: criteria provided, single submitter. Criteria: Invitae Variant Classification Sherloc (09022015). Collection method: clinical testing. Allele origin: germline.
Comment: This sequence change replaces asparagine, which is neutral and polar, with serine, which is neutral and polar, at codon 202 of the C7 protein (p.Asn202Ser). This variant is present in population databases (rs199587630, gnomAD 0.04%). This variant has not been reported in the literature in individuals affected with C7-related conditions. ClinVar contains an entry for this variant (Variation ID: 1013250). Invitae Evidence Modeling of protein sequence and biophysical properties (such as structural, functional, and spatial information, amino acid conservation, physicochemical variation, residue mobility, and thermodynamic stability) indicates that this missense variant is not expected to disrupt C7 protein function with a negative predictive value of 80%. Algorithms developed to predict the effect of sequence changes on RNA splicing suggest that this variant may disrupt the consensus splice site. In summary, the available evidence is currently insufficient to determine the role of this variant in disease. Therefore, it has been classified as a Variant of Uncertain Significance.

Fulgent Genetics
Classification: Uncertain significance for Complement component 7 deficiency. Last evaluated: 2021-11-19. Review status: criteria provided, single submitter. Criteria: ACMG Guidelines, 2015. Collection method: clinical testing. Allele origin: unknown.

CeGaT Center for Human Genetics Tuebingen
Classification: Uncertain significance. Last evaluated: 2020-12-01. Review status: criteria provided, single submitter. Criteria: CeGaT Center For Human Genetics Tuebingen Variant Classification Criteria Version 2. Collection method: clinical testing. Allele origin: germline. Affected: yes. Observed: 1 variant allele.

NM_000587.4(C7):c.605A>G (p.Asn202Ser)

Gene: C7 (complement C7; plus strand). Cytogenetic location: 5p13.1.
Variant type: single nucleotide variant.
Coding change: c.605A>G on transcript NM_000587.4 (MANE Select); coding-DNA position 605, A replaced by G.
Protein change: p.Asn202Ser; replaces asparagine 202 with serine.
Molecular consequence: missense variant.
Genome position (GRCh38, 1-based): chr5:40,945,235, A>G. VCF-style: chr5-40945235-A-G. GRCh37 (hg19) VCF-style: chr5-40945337-A-G.
Other names: short protein forms N202S.
Identifiers: ClinVar variation 1013250 (VCV001013250.42), dbSNP rs199587630, ClinGen allele CA3249696.